The following is an entry in ClinVar:

ClinVar aggregate classification (germline): Likely benign. Review status: criteria provided, multiple submitters, no conflicts (2 of 4 stars). 5 submissions from 5 submitters: Likely benign (5). Last evaluated 2026-09-02.

Conditions:
SLC52A2-related disorder. Also called: SLC52A2-related condition.
Brown-Vialetto-van Laere syndrome 2. Also called: Riboflavin transporter deficiency type 2; SPINOCEREBELLAR ATAXIA WITH BLINDNESS AND DEAFNESS 2. Identifiers: Orphanet 572543, Orphanet 97229, MedGen C3553538, MONDO:0013867, OMIM 614707.
Inborn genetic diseases. Identifiers: MedGen C0950123, MeSH D030342.

Allele frequency attached by ClinVar (database versions not stated): gnomAD 0.00009; TOPMed 0.00010; 1000 Genomes Project 30x 0.00016; 1000 Genomes Project 0.00020; ExAC 0.00022; gnomAD exomes 0.00026.

Submissions (5):

PreventionGenetics, part of Exact Sciences
Classification: Likely benign for SLC52A2-related condition. Last evaluated: 2026-09-02. Review status: criteria provided, single submitter. Criteria: ACMG Guidelines, 2015. Collection method: clinical testing. Allele origin: germline.
Comment: This variant is classified as likely benign based on ACMG/AMP sequence variant interpretation guidelines (Richards et al. 2015 PMID: 25741868, with internal and published modifications).

Labcorp Genetics (formerly Invitae), Labcorp
Classification: Likely benign for Brown-Vialetto-van Laere syndrome 2. Last evaluated: 2025-12-22. Review status: criteria provided, single submitter. Criteria: Invitae Variant Classification Sherloc (09022015). Collection method: clinical testing. Allele origin: germline.

Blueprint Genetics
Classification: Likely benign. Last evaluated: 2024-10-17. Review status: criteria provided, single submitter. Criteria: ACMG Guidelines, 2015. Collection method: clinical testing. Allele origin: germline.

Ambry Genetics
Classification: Likely benign for Inborn genetic diseases. Last evaluated: 2019-07-11. Review status: criteria provided, single submitter. Criteria: Ambry Variant Classification Scheme 2023. Collection method: clinical testing. Allele origin: germline.

GeneDx
Classification: Likely benign. Last evaluated: 2016-07-05. Review status: criteria provided, single submitter. Criteria: GeneDx Variant Classification (06012015). Collection method: clinical testing. Allele origin: germline. Affected: yes.
Comment: This variant is considered likely benign or benign based on one or more of the following criteria: it is a conservative change, it occurs at a poorly conserved position in the protein, it is predicted to be benign by multiple in silico algorithms, and/or has population frequency not consistent with disease.

NM_001363118.2(SLC52A2):c.84T>C (p.Asn28=)

Gene: SLC52A2 (solute carrier family 52 member 2; plus strand). Cytogenetic location: 8q24.3.
Variant type: single nucleotide variant.
Coding change: c.84T>C on transcript NM_001363118.2 (MANE Select); coding-DNA position 84, T replaced by C.
Protein change: p.Asn28=; no amino-acid change (asparagine 28 retained).
Molecular consequence: synonymous variant.
Genome position (GRCh38, 1-based): chr8:144,359,377, T>C. VCF-style: chr8-144359377-T-C. GRCh37 (hg19) VCF-style: chr8-145583037-T-C.
Other names: c.84T>C, p.Asn28= (NM_001253815.2, NM_001253816.2, NM_001363120.2 and 3 more transcripts); c.84T>C (NM_001253816.1).
Identifiers: ClinVar variation 387516 (VCV000387516.15), dbSNP rs200102613, ClinGen allele CA4938082.